The following is an entry in ClinVar:

ClinVar aggregate classification (germline): Uncertain significance (1 of 4 stars; one submission).

Conditions:
Bethlem myopathy 1A. Also called: MYOPATHY, BENIGN CONGENITAL, WITH CONTRACTURES; Bethlem myopathy 1; Bethlem Muscular Dystrophy. Identifiers: Orphanet 610, MedGen CN029274, MONDO:0024530, OMIM 158810.

gnomAD v4.1: 1 of 1,613,886 alleles (0.000062%); highest among the groups gnomAD compares: Non-Finnish European, 0.000085%; no homozygotes.

Submission:

Labcorp Genetics (formerly Invitae), Labcorp
Classification: Uncertain significance for Bethlem myopathy 1A. Last evaluated: 2025-10-26. Review status: criteria provided, single submitter. Criteria: Invitae Variant Classification Sherloc (09022015). Collection method: clinical testing. Allele origin: germline.
Comment: This sequence change replaces proline, which is neutral and non-polar, with alanine, which is neutral and non-polar, at codon 2954 of the COL6A3 protein (p.Pro2954Ala). This variant is not present in population databases (gnomAD no frequency). This variant has not been reported in the literature in individuals affected with COL6A3-related conditions. Invitae Evidence Modeling of protein sequence and biophysical properties (such as structural, functional, and spatial information, amino acid conservation, physicochemical variation, residue mobility, and thermodynamic stability) indicates that this missense variant is not expected to disrupt COL6A3 protein function with a negative predictive value of 95%. In summary, the available evidence is currently insufficient to determine the role of this variant in disease. Therefore, it has been classified as a Variant of Uncertain Significance.

NM_004369.4(COL6A3):c.8860C>G (p.Pro2954Ala)

Gene: COL6A3 (collagen type VI alpha 3 chain; minus strand). Cytogenetic location: 2q37.3.
Variant type: single nucleotide variant.
Coding change: c.8860C>G on transcript NM_004369.4 (MANE Select); coding-DNA position 8860, C replaced by G.
Protein change: p.Pro2954Ala; replaces proline 2954 with alanine.
Molecular consequence: missense variant.
Genome position (GRCh38, 1-based): chr2:237,336,240, G>C on the plus strand (C>G on the coding strand, the complement: COL6A3 is on the minus strand). VCF-style: chr2-237336240-G-C. GRCh37 (hg19) VCF-style: chr2-238244883-G-C.
Other names: c.7039C>G, p.Pro2347Ala (NM_057166.5); c.8242C>G, p.Pro2748Ala (NM_057167.4); short protein forms P2748A, P2954A, P2347A.
Identifiers: ClinVar variation 4701562 (VCV004701562.1).